The following is an entry in ClinVar:

NM_002489.4(COXFA4):c.19G>A (p.Gly7Ser)

Gene: COXFA4 (cytochrome c oxidase associated subunit FA4; minus strand). Cytogenetic location: 7p21.3.
Variant type: single nucleotide variant.
Coding change: c.19G>A on transcript NM_002489.4 (MANE Select); coding-DNA position 19, G replaced by A.
Protein change: p.Gly7Ser; replaces glycine 7 with serine.
Molecular consequence: missense variant.
Genome position (GRCh38, 1-based): chr7:10,940,039, C>T on the plus strand (G>A on the coding strand, the complement: COXFA4 is on the minus strand). VCF-style: chr7-10940039-C-T. GRCh37 (hg19) VCF-style: chr7-10979666-C-T.
Other names: short protein forms G7S.
Identifiers: ClinVar variation 2422106 (VCV002422106.6), dbSNP rs765943590, ClinGen allele CA4162660.

ClinVar aggregate classification (germline): Uncertain significance (1 of 4 stars; one submission).

Allele frequency attached by ClinVar (database versions not stated): TOPMed 0.00001; ExAC 0.00002.
gnomAD v4.1: 4 of 1,613,822 alleles (0.00025%); highest among the groups gnomAD compares: Admixed American, 0.005%; no homozygotes.

Submission:

Labcorp Genetics (formerly Invitae), Labcorp
Classification: Uncertain significance. Last evaluated: 2022-03-14. Review status: criteria provided, single submitter. Criteria: Invitae Variant Classification Sherloc (09022015). Collection method: clinical testing. Allele origin: germline.
Comment: Algorithms developed to predict the effect of missense changes on protein structure and function output the following: SIFT: "Tolerated"; PolyPhen-2: "Benign"; Align-GVGD: "Class C0". The serine amino acid residue is found in multiple mammalian species, which suggests that this missense change does not adversely affect protein function. In summary, the available evidence is currently insufficient to determine the role of this variant in disease. Therefore, it has been classified as a Variant of Uncertain Significance. This variant has not been reported in the literature in individuals affected with NDUFA4-related conditions. This variant is present in population databases (rs765943590, gnomAD 0.01%). This sequence change replaces glycine, which is neutral and non-polar, with serine, which is neutral and polar, at codon 7 of the NDUFA4 protein (p.Gly7Ser).